The following is an entry in ClinVar:

ClinVar aggregate classification (germline): Uncertain significance. Review status: criteria provided, multiple submitters, no conflicts (2 of 4 stars). 3 submissions from 3 submitters: Uncertain significance (3). Last evaluated 2025-10-23.

Conditions:
Inborn genetic diseases. Identifiers: MedGen C0950123, MeSH D030342.
Atrial fibrillation, familial, 7 (ATFB7). Identifiers: MedGen C2677106, MONDO:0012828, OMIM 612240.

Allele frequency attached by ClinVar (database versions not stated): ExAC 0.00001; gnomAD exomes 0.00001 and 0.00002; gnomAD 0.00002; TOPMed 0.00002.
gnomAD v4.1: 26 of 1,614,076 alleles (0.0016%); highest among the groups gnomAD compares: Non-Finnish European, 0.0022%; no homozygotes.

Submissions (3):

Labcorp Genetics (formerly Invitae), Labcorp
Classification: Uncertain significance for Atrial fibrillation, familial, 7. Last evaluated: 2025-10-23. Review status: criteria provided, single submitter. Criteria: Invitae Variant Classification Sherloc (09022015). Collection method: clinical testing. Allele origin: germline.
Comment: This sequence change replaces isoleucine, which is neutral and non-polar, with valine, which is neutral and non-polar, at codon 438 of the KCNA5 protein (p.Ile438Val). This variant is present in population databases (no rsID available, gnomAD 0.004%). This variant has not been reported in the literature in individuals affected with KCNA5-related conditions. ClinVar contains an entry for this variant (Variation ID: 1063528). Invitae Evidence Modeling of protein sequence and biophysical properties (such as structural, functional, and spatial information, amino acid conservation, physicochemical variation, residue mobility, and thermodynamic stability) indicates that this missense variant is not expected to disrupt KCNA5 protein function with a negative predictive value of 80%. In summary, the available evidence is currently insufficient to determine the role of this variant in disease. Therefore, it has been classified as a Variant of Uncertain Significance.

Ambry Genetics
Classification: Uncertain significance for Inborn genetic diseases. Last evaluated: 2025-02-22. Review status: criteria provided, single submitter. Criteria: Ambry Variant Classification Scheme 2023. Collection method: clinical testing. Allele origin: germline.

GeneDx
Classification: Uncertain significance. Last evaluated: 2024-08-26. Review status: criteria provided, single submitter. Criteria: GeneDx Variant Classification Process June 2021. Collection method: clinical testing. Allele origin: germline. Affected: yes.
Comment: Has not been previously published as pathogenic or benign to our knowledge; Not observed at significant frequency in large population cohorts (gnomAD); In silico analysis indicates that this missense variant does not alter protein structure/function

NM_002234.4(KCNA5):c.1312A>G (p.Ile438Val)

Gene: KCNA5 (potassium voltage-gated channel subfamily A member 5; plus strand). Cytogenetic location: 12p13.32.
Variant type: single nucleotide variant.
Coding change: c.1312A>G on transcript NM_002234.4 (MANE Select); coding-DNA position 1312, A replaced by G.
Protein change: p.Ile438Val; replaces isoleucine 438 with valine.
Molecular consequence: missense variant.
Genome position (GRCh38, 1-based): chr12:5,045,459, A>G. VCF-style: chr12-5045459-A-G. GRCh37 (hg19) VCF-style: chr12-5154625-A-G.
Other names: c.1312A>G (NM_002234.2); short protein forms I438V.
Identifiers: ClinVar variation 1063528 (VCV001063528.11), dbSNP rs1416714031, ClinGen allele CA6399844.